The following is an entry in ClinVar:

NM_000742.4(CHRNA2):c.-27C>A

Gene: CHRNA2 (cholinergic receptor nicotinic alpha 2 subunit; minus strand). Cytogenetic location: 8p21.2.
Variant type: single nucleotide variant.
Coding change: c.-27C>A on transcript NM_000742.4 (MANE Select); 27 bases upstream of the start codon, C replaced by A.
Molecular consequence: 5 prime UTR variant.
Genome position (GRCh38, 1-based): chr8:27,471,085, G>T on the plus strand (C>A on the coding strand, the complement: CHRNA2 is on the minus strand). VCF-style: chr8-27471085-G-T. GRCh37 (hg19) VCF-style: chr8-27328602-G-T.
Other names: c.-27C>A (NM_001282455.2); c.-454C>A (NM_001347705.2); c.-499C>A (NM_001347706.2); c.-440C>A (NM_001347707.2); c.-488C>A (NM_001347708.2).
Identifiers: ClinVar variation 432715 (VCV000432715.3), dbSNP rs1029528073, ClinGen allele CA645372458.

ClinVar aggregate classification (germline): Uncertain significance (1 of 4 stars; one submission).

Allele frequency attached by ClinVar (database versions not stated): TOPMed below 0.00001.
gnomAD v4.1: 2 of 1,609,332 alleles (0.00012%); highest among the groups gnomAD compares: South Asian, 0.0011%; no homozygotes.

Submission:

GeneDx
Classification: Uncertain significance. Last evaluated: 2026-08-05. Review status: criteria provided, single submitter. Criteria: GeneDx Variant Classification Process June 2021. Collection method: clinical testing. Allele origin: germline.
Comment: Not observed at significant frequency in large population cohorts (gnomAD); Located in a regulatory region; in the absence of functional studies, the actual effect of this sequence change is unknown; Has not been previously published as pathogenic or benign to our knowledge